The following is an entry in ClinVar:

ClinVar aggregate classification (germline): Uncertain significance (1 of 4 stars; one submission).

Conditions:
Atrial septal defect 5 (ASD5). Identifiers: Orphanet 1478, MedGen C2748552, MONDO:0013011, OMIM 612794.
Dilated cardiomyopathy 1R (CMD1R). Identifiers: Orphanet 154, Orphanet 54260, MedGen C3150681, MONDO:0013261, OMIM 613424.
Hypertrophic cardiomyopathy 11. Also called: ACTC1-Related Familial Hypertrophic Cardiomyopathy. Identifiers: MedGen C2677506, MONDO:0012799, OMIM 612098.

Submission:

Juno Genomics, Hangzhou Juno Genomics, Inc
Classification: Uncertain significance for Atrial septal defect 5; Dilated cardiomyopathy 1R; Hypertrophic cardiomyopathy 11. Review status: criteria provided, single submitter. Criteria: ACMG Guidelines, 2015. Collection method: clinical testing. Allele origin: germline.
Comment: Absent from controls (or at extremely low frequency if recessive) in Genome Aggregation Database.;Missense variant in a gene that has a low rate of benign missense variation.;Multiple lines of computational evidence support a deleterious effect on the gene or gene product.

NM_005159.5(ACTC1):c.583C>A (p.Leu195Ile)

Genes: ACTC1 (actin alpha cardiac muscle 1; minus strand), GJD2-DT (GJD2 divergent transcript; plus strand). Cytogenetic location: 15q14.
Variant type: single nucleotide variant.
Coding change: c.583C>A on transcript NM_005159.5 (MANE Select); coding-DNA position 583, C replaced by A.
Protein change: p.Leu195Ile; replaces leucine 195 with isoleucine.
Molecular consequence: missense variant.
Genome position (GRCh38, 1-based): chr15:34,792,441, G>T on the plus strand (C>A on the coding strand, the complement: ACTC1 is on the minus strand). VCF-style: chr15-34792441-G-T. GRCh37 (hg19) VCF-style: chr15-35084642-G-T.
Other names: c.583C>A, p.Leu195Ile (NM_001406482.1, NM_001406483.1); c.448C>A, p.Leu150Ile (NM_001406484.1); c.142C>A, p.Leu48Ile (NM_001406485.1); short protein forms L195I, L150I, L48I.
Identifiers: ClinVar variation 5005388 (VCV005005388.2).